The following is an entry in ClinVar:

NM_058216.3(RAD51C):c.240G>T (p.Glu80Asp)

Gene: RAD51C (RAD51 paralog C; plus strand). Cytogenetic location: 17q22.
Variant type: single nucleotide variant.
Coding change: c.240G>T on transcript NM_058216.3 (MANE Select); coding-DNA position 240, G replaced by T.
Protein change: p.Glu80Asp; replaces glutamic acid 80 with aspartic acid.
Molecular consequence: missense variant. On other transcripts: non-coding transcript variant (2).
Genome position (GRCh38, 1-based): chr17:58,695,025, G>T. VCF-style: chr17-58695025-G-T. GRCh37 (hg19) VCF-style: chr17-56772386-G-T.
Other names: c.240G>T, p.Glu80Asp (NM_002876.4); short protein forms E80D.
Identifiers: ClinVar variation 821234 (VCV000821234.10), dbSNP rs779053608, ClinGen allele CA400340303.
Genomic context (GRCh38, chr17:58,695,025, plus strand): 5'-TCTGCAAATTATCAGAAGAGAATGTCTCACAAATAAACCAAGATATGCTGGTACATCTGA[G>T]TCACACAAGAAGTGTACAGCACTGGAACTTCTTGAGCAGGAGCATACCCAGGGCTTCATA-3'
Protein context (NP_478123.1, residues 70-90): TNKPRYAGTS[Glu80Asp]SHKKCTALEL

ClinVar aggregate classification (germline): Conflicting classifications of pathogenicity. Review status: criteria provided, conflicting classifications (1 of 4 stars). 2 submissions from 2 submitters: Uncertain significance (1); Likely benign (1). Last evaluated 2024-02-26.

Conditions:
Fanconi anemia complementation group O. Also called: RAD51C-Related Fanconi Anemia. Identifiers: Orphanet 84, MedGen C3150653, MONDO:0013248, OMIM 613390.
Hereditary cancer-predisposing syndrome. Also called: Hereditary Cancer Syndrome; Neoplastic Syndromes, Hereditary; Hereditary neoplastic syndrome; Tumor predisposition. Identifiers: Orphanet 140162, MedGen C0027672, MeSH D009386, MONDO:0015356.

Submissions (2):

Ambry Genetics
Classification: Likely benign for Hereditary cancer-predisposing syndrome. Last evaluated: 2024-02-26. Review status: criteria provided, single submitter. Criteria: Ambry Variant Classification Scheme 2023. Collection method: clinical testing. Allele origin: germline.

Labcorp Genetics (formerly Invitae), Labcorp
Classification: Uncertain significance for Fanconi anemia complementation group O. Last evaluated: 2021-11-23. Review status: criteria provided, single submitter. Criteria: Invitae Variant Classification Sherloc (09022015). Collection method: clinical testing. Allele origin: germline.
Comment: This sequence change replaces glutamic acid, which is acidic and polar, with aspartic acid, which is acidic and polar, at codon 80 of the RAD51C protein (p.Glu80Asp). This variant is not present in population databases (gnomAD no frequency). This variant has not been reported in the literature in individuals affected with RAD51C-related conditions. ClinVar contains an entry for this variant (Variation ID: 821234). Algorithms developed to predict the effect of missense changes on protein structure and function output the following: SIFT: "Tolerated"; PolyPhen-2: "Benign"; Align-GVGD: "Class C0". The aspartic acid amino acid residue is found in multiple mammalian species, which suggests that this missense change does not adversely affect protein function. In summary, the available evidence is currently insufficient to determine the role of this variant in disease. Therefore, it has been classified as a Variant of Uncertain Significance.